The following is an entry in ClinVar:

ClinVar aggregate classification (germline): Uncertain significance (1 of 4 stars; one submission).

Conditions:
Hereditary spastic paraplegia 11. Also called: Nakamura Osame syndrome; Autosomal recessive hereditary spastic paraplegia, mental impairment, and thin corpus callosum; Spastic paraplegia, mental retardation and thin corpus callosum; SPASTIC PARAPLEGIA, AUTOSOMAL RECESSIVE, COMPLICATED, WITH THIN CORPUS CALLOSUM; SPASTIC PARAPLEGIA, AUTOSOMAL RECESSIVE, WITH MENTAL IMPAIRMENT AND THIN CORPUS CALLOSUM; Spastic Paraplegia 11. Identifiers: Orphanet 2822, MedGen C1858479, MONDO:0011445, OMIM 604360.

Allele frequency attached by ClinVar (database versions not stated): gnomAD exomes below 0.00001; TOPMed below 0.00001; gnomAD 0.00003.
gnomAD v4.1: 1 of 1,614,180 alleles (0.000062%); highest among the groups gnomAD compares: African/African-American, 0.0013%; no homozygotes.

Submission:

Labcorp Genetics (formerly Invitae), Labcorp
Classification: Uncertain significance for Hereditary spastic paraplegia 11. Last evaluated: 2017-10-22. Review status: criteria provided, single submitter. Criteria: Invitae Variant Classification Sherloc (09022015). Collection method: clinical testing. Allele origin: germline.
Comment: In summary, the available evidence is currently insufficient to determine the role of this variant in disease. Therefore, it has been classified as a Variant of Uncertain Significance. Algorithms developed to predict the effect of missense changes on protein structure and function do not agree on the potential impact of this missense change (SIFT: "Deleterious"; PolyPhen-2: "Benign"; Align-GVGD: "Class C0"). This variant has not been reported in the literature in individuals with SPG11-related disease. This variant is not present in population databases (ExAC no frequency). This sequence change replaces serine with glycine at codon 1955 of the SPG11 protein (p.Ser1955Gly). The serine residue is highly conserved and there is a small physicochemical difference between serine and glycine.

NM_025137.4(SPG11):c.5863A>G (p.Ser1955Gly)

Gene: SPG11 (SPG11 vesicle trafficking associated, spatacsin; minus strand). Cytogenetic location: 15q21.1.
Variant type: single nucleotide variant.
Coding change: c.5863A>G on transcript NM_025137.4 (MANE Select); coding-DNA position 5863, A replaced by G.
Protein change: p.Ser1955Gly; replaces serine 1955 with glycine.
Molecular consequence: missense variant.
Genome position (GRCh38, 1-based): chr15:44,583,817, T>C on the plus strand (A>G on the coding strand, the complement: SPG11 is on the minus strand). VCF-style: chr15-44583817-T-C. GRCh37 (hg19) VCF-style: chr15-44876015-T-C.
Other names: c.5863A>G, p.Ser1955Gly (NM_001160227.2); short protein forms S1955G.
Identifiers: ClinVar variation 534875 (VCV000534875.6), dbSNP rs1479657715, ClinGen allele CA392220767.
Genomic context (GRCh38, chr15:44,583,817, plus strand): 5'-GAGACAGTGCTAACAGTGCCATTTAAGACTCTGGGCCATCTGATCTCCTTCACTTACTGC[T>C]GTGGACTCTCCTTAGGGGAATGTCGGGTGCTTCTTCCTCAAGCAGCTCAGCACTTTGTAG-3'
Protein context (NP_079413.3, residues 1945-1965): APDIPLRRVH[Ser1955Gly]TSSLDSQKFV